The following is an entry in ClinVar:

ClinVar aggregate classification (germline): Uncertain significance. Review status: criteria provided, multiple submitters, no conflicts (2 of 4 stars). 2 submissions from 2 submitters: Uncertain significance (2). Last evaluated 2024-11-26.

Conditions:
Inborn genetic diseases. Identifiers: MedGen C0950123, MeSH D030342.
Kostmann syndrome (SCN3). Also called: KOSTMANN DISEASE; Autosomal recessive severe congenital neutropenia type 3. Identifiers: Orphanet 99749, MedGen C5235141, MONDO:0012548, OMIM 610738.

Allele frequency attached by ClinVar (database versions not stated): gnomAD exomes below 0.00001; TOPMed below 0.00001; gnomAD 0.00001.
gnomAD v4.1: 2 of 1,614,008 alleles (0.00012%); highest among the groups gnomAD compares: Non-Finnish European, 0.00017%; no homozygotes.

Submissions (2):

Ambry Genetics
Classification: Uncertain significance for Inborn genetic diseases. Last evaluated: 2024-11-26. Review status: criteria provided, single submitter. Criteria: Ambry Variant Classification Scheme 2023. Collection method: clinical testing. Allele origin: germline.
Comment: The p.G234S variant (also known as c.700G>A), located in coding exon 6 of the HAX1 gene, results from a G to A substitution at nucleotide position 700. The glycine at codon 234 is replaced by serine, an amino acid with similar properties. This amino acid position is conserved. In addition, this alteration is predicted to be deleterious by in silico analysis. Based on the available evidence, the clinical significance of this variant remains unclear.

Labcorp Genetics (formerly Invitae), Labcorp
Classification: Uncertain significance for Kostmann syndrome. Last evaluated: 2022-06-23. Review status: criteria provided, single submitter. Criteria: Invitae Variant Classification Sherloc (09022015). Collection method: clinical testing. Allele origin: germline.
Comment: In summary, the available evidence is currently insufficient to determine the role of this variant in disease. Therefore, it has been classified as a Variant of Uncertain Significance. Algorithms developed to predict the effect of missense changes on protein structure and function are either unavailable or do not agree on the potential impact of this missense change (SIFT: "Deleterious"; PolyPhen-2: "Probably Damaging"; Align-GVGD: "Class C0"). ClinVar contains an entry for this variant (Variation ID: 1056018). This variant has not been reported in the literature in individuals affected with HAX1-related conditions. This variant is not present in population databases (gnomAD no frequency). This sequence change replaces glycine, which is neutral and non-polar, with serine, which is neutral and polar, at codon 234 of the HAX1 protein (p.Gly234Ser).

NM_006118.4(HAX1):c.700G>A (p.Gly234Ser)

Gene: HAX1 (HCLS1 associated protein X-1; plus strand). Cytogenetic location: 1q21.3.
Variant type: single nucleotide variant.
Coding change: c.700G>A on transcript NM_006118.4 (MANE Select); coding-DNA position 700, G replaced by A.
Protein change: p.Gly234Ser; replaces glycine 234 with serine.
Molecular consequence: missense variant.
Genome position (GRCh38, 1-based): chr1:154,275,429, G>A. VCF-style: chr1-154275429-G-A. GRCh37 (hg19) VCF-style: chr1-154247905-G-A.
Other names: c.700G>A (NM_006118.3); c.556G>A, p.Gly186Ser (NM_001018837.2); short protein forms G186S, G234S.
Identifiers: ClinVar variation 1056018 (VCV001056018.9), dbSNP rs1287019123, ClinGen allele CA342593907.